The following is an entry in ClinVar:

NM_000548.5(TSC2):c.1618T>C (p.Ser540Pro)

Gene: TSC2 (TSC complex subunit 2; plus strand). Cytogenetic location: 16p13.3.
Variant type: single nucleotide variant.
Coding change: c.1618T>C on transcript NM_000548.5 (MANE Select); coding-DNA position 1618, T replaced by C.
Protein change: p.Ser540Pro; replaces serine 540 with proline.
Molecular consequence: missense variant.
Genome position (GRCh38, 1-based): chr16:2,065,537, T>C. VCF-style: chr16-2065537-T-C. GRCh37 (hg19) VCF-style: chr16-2115538-T-C.
Other names: c.1618T>C, p.Ser540Pro (NM_001077183.3, NM_001114382.3, NM_001363528.2 and 6 more transcripts); c.1507T>C, p.Ser503Pro (NM_001318827.2, NM_001406678.1, NM_001406670.1); c.1471T>C, p.Ser491Pro (NM_001318829.2, NM_001406675.1, NM_001406676.1 and 1 more transcripts); c.1018T>C, p.Ser340Pro (NM_001318831.2, NM_001406680.1, NM_001406682.1 and 6 more transcripts); c.1651T>C, p.Ser551Pro (NM_001318832.2); c.1561T>C, p.Ser521Pro (NM_001406677.1); c.1156T>C, p.Ser386Pro (NM_001406681.1); c.274T>C, p.Ser92Pro (NM_001406689.1, NM_001406690.1, NM_001406691.1 and 6 more transcripts); and 3 more; short protein forms S386P, S491P, S536P, S6P, S540P, S551P, S570P, S503P.
Identifiers: ClinVar variation 1980299 (VCV001980299.5), dbSNP rs765448103, ClinGen allele CA031778.

ClinVar aggregate classification (germline): Conflicting classifications of pathogenicity. Review status: criteria provided, conflicting classifications (1 of 4 stars). 2 submissions from 2 submitters: Uncertain significance (1); Benign (1). Last evaluated 2025-11-10.

Conditions:
Tuberous sclerosis 2 (TSC2). Identifiers: Orphanet 805, MedGen C1860707, MONDO:0013199, OMIM 613254.
Hereditary cancer-predisposing syndrome. Also called: Hereditary neoplastic syndrome; Neoplastic Syndromes, Hereditary; Tumor predisposition; Hereditary Cancer Syndrome. Identifiers: Orphanet 140162, MedGen C0027672, MeSH D009386, MONDO:0015356.

Allele frequency attached by ClinVar (database versions not stated): ExAC 0.00001.

Submissions (2):

Labcorp Genetics (formerly Invitae), Labcorp
Classification: Benign for Tuberous sclerosis 2. Last evaluated: 2025-11-10. Review status: criteria provided, single submitter. Criteria: Invitae Variant Classification Sherloc (09022015). Collection method: clinical testing. Allele origin: germline.

Ambry Genetics
Classification: Uncertain significance for Hereditary cancer-predisposing syndrome. Last evaluated: 2025-07-11. Review status: criteria provided, single submitter. Criteria: Ambry Variant Classification Scheme 2023. Collection method: clinical testing. Allele origin: germline.
Comment: The p.S540P variant (also known as c.1618T>C), located in coding exon 15 of the TSC2 gene, results from a T to C substitution at nucleotide position 1618. The serine at codon 540 is replaced by proline, an amino acid with similar properties. This amino acid position is conserved. In addition, the in silico prediction for this alteration is inconclusive. Based on the available evidence, the clinical significance of this variant remains unclear.